The following is an entry in ClinVar:

NM_001349798.2(FBXW7):c.1394G>C (p.Arg465Pro)

Gene: FBXW7 (F-box and WD repeat domain containing 7; minus strand). Cytogenetic location: 4q31.3.
Variant type: single nucleotide variant.
Coding change: c.1394G>C on transcript NM_001349798.2 (MANE Select); coding-DNA position 1394, G replaced by C.
Protein change: p.Arg465Pro; replaces arginine 465 with proline.
Molecular consequence: missense variant.
Genome position (GRCh38, 1-based): chr4:152,328,232, C>G on the plus strand (G>C on the coding strand, the complement: FBXW7 is on the minus strand). VCF-style: chr4-152328232-C-G. GRCh37 (hg19) VCF-style: chr4-153249384-C-G.
Other names: c.1154G>C, p.Arg385Pro (LRG_1141t2, NM_018315.5); c.1394G>C, p.Arg465Pro (LRG_1141t1, NM_033632.3); c.1040G>C, p.Arg347Pro (LRG_1141t3, NM_001013415.2); short protein forms R465P, R347P, R385P.
Identifiers: ClinVar variation 4530540 (VCV004530540.1), dbSNP rs1057519895.
Genomic context (GRCh38, chr4:152,328,232, plus strand): 5'-GGAAGAAGTCCCAACCATGACAAGATTTTCCCTTACCTTTTTTCATGAAGATGCATACAA[C>G]GCACAGTGGAAGTATGCCCATATAAGGTGTGTATACATTCTCCAGTCTCTGCATTCCACA-3'
Protein context (NP_001336727.1, residues 455-475): HTLYGHTSTV[Arg465Pro]CMHLHEKRVV

ClinVar aggregate classification (somatic clinical impact): Tier I - Strong (1 of 4 stars; one submission).

Conditions:
Embryonal rhabdomyosarcoma (ERMS). Also called: Botryoid rhabdomyosarcoma (type of ERMS); Spindle cell rhabdomyosarcomas (type of ERMS). Identifiers: Orphanet 99757, MedGen C0206656, MONDO:0009993, HP:0006743.

Submission:

Institute for Genomic Medicine (IGM) Clinical Laboratory, Nationwide Children's Hospital
Classification: Tier I - Strong for Embryonal rhabdomyosarcoma. Assertion type: diagnostic. Clinical significance: supports diagnosis. Last evaluated: 2024-04-29. Review status: criteria provided, single submitter. Criteria: AMP/ASCO/CAP Guidelines, 2017. Collection method: clinical testing. Allele origin: somatic. Affected: yes.
Comment: Variant has Tier I (strong) clinical significance as a diagnostic inclusion criterion in embryonal rhabdomyosarcoma, based on the following evidence: 1) Appears in one or more well-established professional guidelines (e.g., World Health Organization [WHO]; National Comprehensive Cancer Network [NCCN]) as providing diagnostic, prognostic, or therapeutic information. 2) Diagnostic for a specific tumor type/classification based on well-powered studies with expert-level consensus (Evidence Level B; PMIDs: 24436047, 34166060, 25768946).

Literature cited by the submitters: PubMed 24436047; PubMed 34166060; PubMed 25768946.